The following is an entry in ClinVar:

ClinVar aggregate classification (germline): Likely benign. Review status: criteria provided, multiple submitters, no conflicts (2 of 4 stars). 3 submissions from 3 submitters: Likely benign (3). Last evaluated 2025-07-18.

Conditions:
ADAMTS10-related disorder. Also called: ADAMTS10-related condition.

Allele frequency attached by ClinVar (database versions not stated): ExAC 0.00001; gnomAD exomes 0.00001 and 0.00002; TOPMed 0.00002; gnomAD 0.00005.
gnomAD v4.1: 18 of 1,614,026 alleles (0.0011%); highest among the groups gnomAD compares: Middle Eastern, 0.016%; no homozygotes.

Submissions (3):

PreventionGenetics, part of Exact Sciences
Classification: Likely benign for ADAMTS10-related condition. Last evaluated: 2025-07-18. Review status: criteria provided, single submitter. Criteria: ACMG Guidelines, 2015. Collection method: clinical testing. Allele origin: germline.
Comment: This variant is classified as likely benign based on ACMG/AMP sequence variant interpretation guidelines (Richards et al. 2015 PMID: 25741868, with internal and published modifications).

Labcorp Genetics (formerly Invitae), Labcorp
Classification: Likely benign. Last evaluated: 2021-03-23. Review status: criteria provided, single submitter. Criteria: Invitae Variant Classification Sherloc (09022015). Collection method: clinical testing. Allele origin: germline.

Breakthrough Genomics
Classification: Likely benign. Review status: criteria provided, single submitter. Criteria: ACMG Guidelines, 2015. Collection method: not provided. Allele origin: germline. Inheritance: Autosomal recessive inheritance. Affected: yes.

NM_030957.4(ADAMTS10):c.765C>T (p.His255=)

Gene: ADAMTS10 (ADAM metallopeptidase with thrombospondin type 1 motif 10; minus strand). Cytogenetic location: 19p13.2.
Variant type: single nucleotide variant.
Coding change: c.765C>T on transcript NM_030957.4 (MANE Select); coding-DNA position 765, C replaced by T.
Protein change: p.His255=; no amino-acid change (histidine 255 retained).
Molecular consequence: synonymous variant.
Genome position (GRCh38, 1-based): chr19:8,600,973, G>A on the plus strand (C>T on the coding strand, the complement: ADAMTS10 is on the minus strand). VCF-style: chr19-8600973-G-A. GRCh37 (hg19) VCF-style: chr19-8665857-G-A.
Other names: c.765C>T (NM_030957.3).
Identifiers: ClinVar variation 1632613 (VCV001632613.10), dbSNP rs782481712, ClinGen allele CA9160741.